The following is an entry in ClinVar:

NM_000465.4(BARD1):c.1145A>G (p.Asn382Ser)

Gene: BARD1 (BRCA1 associated RING domain 1; minus strand). Cytogenetic location: 2q35.
Variant type: single nucleotide variant.
Coding change: c.1145A>G on transcript NM_000465.4 (MANE Select); coding-DNA position 1145, A replaced by G.
Protein change: p.Asn382Ser; replaces asparagine 382 with serine.
Molecular consequence: missense variant. On other transcripts: non-coding transcript variant (2), intron variant (3).
Genome position (GRCh38, 1-based): chr2:214,780,729, T>C on the plus strand (A>G on the coding strand, the complement: BARD1 is on the minus strand). VCF-style: chr2-214780729-T-C. GRCh37 (hg19) VCF-style: chr2-215645453-T-C.
Other names: c.1088A>G, p.Asn363Ser (NM_001282543.2); c.159-28174A>G (NM_001282548.2); c.215+16332A>G (NM_001282545.2); c.364+11568A>G (NM_001282549.2); short protein forms N382S, N363S.
Identifiers: ClinVar variation 2063532 (VCV002063532.4), dbSNP rs2469503114, ClinGen allele CA350453968.
Genomic context (GRCh38, chr2:214,780,729, plus strand): 5'-GAACTACTTAATGTAGAAGGTGGTGTACCTGGTGAAAGACTAATGAATTCATCGGACATG[T>C]TACTGTTTTTCCTCCCTGATGTACCACCAACTTTACGTTTGCATGAAGGTGGTGAAGAAC-3'
Protein context (NP_000456.2, residues 372-392): VGGTSGRKNS[Asn382Ser]MSDEFISLSP

ClinVar aggregate classification (germline): Uncertain significance (1 of 4 stars; one submission).

Conditions:
Familial cancer of breast. Also called: BREAST CANCER, FAMILIAL; Hereditary breast cancer; hereditary breast carcinoma. Identifiers: Orphanet 227535, MedGen C0346153, MONDO:0016419, OMIM 114480. Disease mechanism: loss of function.

Submission:

Labcorp Genetics (formerly Invitae), Labcorp
Classification: Uncertain significance for Familial cancer of breast. Last evaluated: 2021-12-28. Review status: criteria provided, single submitter. Criteria: Invitae Variant Classification Sherloc (09022015). Collection method: clinical testing. Allele origin: germline.
Comment: Algorithms developed to predict the effect of missense changes on protein structure and function output the following: SIFT: "Tolerated"; PolyPhen-2: "Benign"; Align-GVGD: "Class C0". The serine amino acid residue is found in multiple mammalian species, which suggests that this missense change does not adversely affect protein function. This variant has not been reported in the literature in individuals affected with BARD1-related conditions. This variant is not present in population databases (gnomAD no frequency). This sequence change replaces asparagine, which is neutral and polar, with serine, which is neutral and polar, at codon 382 of the BARD1 protein (p.Asn382Ser). In summary, the available evidence is currently insufficient to determine the role of this variant in disease. Therefore, it has been classified as a Variant of Uncertain Significance.